The following is an entry in ClinVar:

ClinVar aggregate classification (germline): Uncertain significance. Review status: criteria provided, multiple submitters, no conflicts (2 of 4 stars). 3 submissions from 3 submitters: Uncertain significance (3). Last evaluated 2025-08-30.

Conditions:
Hereditary cancer-predisposing syndrome. Also called: Hereditary Cancer Syndrome; Hereditary neoplastic syndrome; Neoplastic Syndromes, Hereditary; Tumor predisposition. Identifiers: Orphanet 140162, MedGen C0027672, MeSH D009386, MONDO:0015356.

Allele frequency attached by ClinVar (database versions not stated): gnomAD exomes below 0.00001.

Submissions (3):

Ambry Genetics
Classification: Uncertain significance for Hereditary cancer-predisposing syndrome. Last evaluated: 2025-08-30. Review status: criteria provided, single submitter. Criteria: Ambry Variant Classification Scheme 2023. Collection method: clinical testing. Allele origin: germline.
Comment: The p.E1082K variant (also known as c.3244G>A), located in coding exon 21 of the RAD50 gene, results from a G to A substitution at nucleotide position 3244. The glutamic acid at codon 1082 is replaced by lysine, an amino acid with similar properties. This amino acid position is highly conserved in available vertebrate species. In addition, the in silico prediction for this alteration is inconclusive. Since supporting evidence is limited at this time, the clinical significance of this alteration remains unclear.

Labcorp Genetics (formerly Invitae), Labcorp
Classification: Uncertain significance for Hereditary cancer-predisposing syndrome. Last evaluated: 2025-01-29. Review status: criteria provided, single submitter. Criteria: Invitae Variant Classification Sherloc (09022015). Collection method: clinical testing. Allele origin: germline.
Comment: This sequence change replaces glutamic acid, which is acidic and polar, with lysine, which is basic and polar, at codon 1082 of the RAD50 protein (p.Glu1082Lys). This variant is not present in population databases (gnomAD no frequency). This variant has not been reported in the literature in individuals affected with RAD50-related conditions. ClinVar contains an entry for this variant (Variation ID: 408361). Invitae Evidence Modeling of protein sequence and biophysical properties (such as structural, functional, and spatial information, amino acid conservation, physicochemical variation, residue mobility, and thermodynamic stability) indicates that this missense variant is not expected to disrupt RAD50 protein function with a negative predictive value of 80%. In summary, the available evidence is currently insufficient to determine the role of this variant in disease. Therefore, it has been classified as a Variant of Uncertain Significance.

Quest Diagnostics Nichols Institute San Juan Capistrano
Classification: Uncertain significance. Last evaluated: 2024-12-31. Review status: criteria provided, single submitter. Criteria: Quest Diagnostics criteria. Collection method: clinical testing. Allele origin: unknown.
Comment: The RAD50 c.3244G>A (p.Glu1082Lys) variant has been observed in an individual with breast cancer in a case-control study (PMID: 33471991 (2021), see also LOVD. This variant has not been reported in large, multi-ethnic general populations (Genome Aggregation Database). Analysis of this variant using bioinformatics tools for the prediction of the effect of amino acid changes on protein structure and function yielded predictions that this variant is benign. Based on the available information, we are unable to determine the clinical significance of this variant.

Literature cited by the submitters: PubMed 33471991 (cited by Quest Diagnostics Nichols Institute San Juan Capistrano).

NM_005732.4(RAD50):c.3244G>A (p.Glu1082Lys)

Gene: RAD50 (RAD50 double strand break repair protein; plus strand). Cytogenetic location: 5q31.1.
Variant type: single nucleotide variant.
Coding change: c.3244G>A on transcript NM_005732.4 (MANE Select); coding-DNA position 3244, G replaced by A.
Protein change: p.Glu1082Lys; replaces glutamic acid 1082 with lysine.
Molecular consequence: missense variant.
Genome position (GRCh38, 1-based): chr5:132,618,149, G>A. VCF-style: chr5-132618149-G-A. GRCh37 (hg19) VCF-style: chr5-131953841-G-A.
Other names: short protein forms E1082K.
Identifiers: ClinVar variation 408361 (VCV000408361.18), dbSNP rs953579261, ClinGen allele CA16611851.